The following is an entry in ClinVar:

ClinVar aggregate classification (germline): Conflicting classifications of pathogenicity. Review status: criteria provided, conflicting classifications (1 of 4 stars). 2 submissions from 2 submitters: Uncertain significance (1); Likely benign (1). Last evaluated 2026-01-11.

Allele frequency attached by ClinVar (database versions not stated): gnomAD exomes below 0.00001; gnomAD 0.00001; TOPMed 0.00001.
gnomAD v4.1: 4 of 1,611,784 alleles (0.00025%); highest among the groups gnomAD compares: Non-Finnish European, 0.00034%; no homozygotes.

Submissions (2):

Labcorp Genetics (formerly Invitae), Labcorp
Classification: Uncertain significance. Last evaluated: 2026-01-11. Review status: criteria provided, single submitter. Criteria: Invitae Variant Classification Sherloc (09022015). Collection method: clinical testing. Allele origin: germline.
Comment: This sequence change falls in intron 19 of the FOXP1 gene. It does not directly change the encoded amino acid sequence of the FOXP1 protein. It affects a nucleotide within the consensus splice site. This variant is not present in population databases (gnomAD no frequency). This variant has not been reported in the literature in individuals affected with FOXP1-related conditions. ClinVar contains an entry for this variant (Variation ID: 2653964). Variants that disrupt the consensus splice site are a relatively common cause of aberrant splicing (PMID: 17576681, 9536098). Algorithms developed to predict the effect of sequence changes on RNA splicing suggest that this variant is not likely to affect RNA splicing. In summary, the available evidence is currently insufficient to determine the role of this variant in disease. Therefore, it has been classified as a Variant of Uncertain Significance.

CeGaT Center for Human Genetics Tuebingen
Classification: Likely benign. Last evaluated: 2023-08-01. Review status: criteria provided, single submitter. Criteria: CeGaT Center For Human Genetics Tuebingen Variant Classification Criteria Version 2. Collection method: clinical testing. Allele origin: germline. Affected: yes. Observed: 1 variant allele.
Comment: FOXP1: BP4

Literature cited by the submitters: PubMed 17576681 (cited by Labcorp Genetics (formerly Invitae), Labcorp); PubMed 9536098 (cited by Labcorp Genetics (formerly Invitae), Labcorp).

NM_001349338.3(FOXP1):c.1722+6A>T

Gene: FOXP1 (forkhead box P1; minus strand). Cytogenetic location: 3p13.
Variant type: single nucleotide variant.
Coding change: c.1722+6A>T on transcript NM_001349338.3 (MANE Select); 6 bases into the intron after coding-DNA position 1722, A replaced by T.
Molecular consequence: intron variant.
Genome position (GRCh38, 1-based): chr3:70,970,730, T>A on the plus strand (A>T on the coding strand, the complement: FOXP1 is on the minus strand). VCF-style: chr3-70970730-T-A. GRCh37 (hg19) VCF-style: chr3-71019881-T-A.
Other names: c.1770+6A>T (NM_001244810.2); c.1722+6A>T (NM_032682.6, NM_001349340.3, NM_001244816.2 and 1 more transcripts); c.1719+6A>T (NM_001349341.3, NM_001244808.3); c.1494+6A>T (NM_001244812.3); c.1419+6A>T (NM_001349343.3, NM_001349337.2, NM_001370548.1 and 1 more transcripts); c.1422+6A>T (NM_001349342.3, NM_001244815.2, NM_001244813.3).
Identifiers: ClinVar variation 2653964 (VCV002653964.25), dbSNP rs1291744448, ClinGen allele CA910015211.
Genomic context (GRCh38, chr3:70,970,730, plus strand): 5'-ATATTTTGAAATGAGTAGGGGAGACCTGTGCCTCTGCTGCATATTCGGGACGGCCGTTAA[T>A]CTTACCTGTAAAGCTGCATTGAGAGGTGTGCAGTAGGCGTGGCTGCTCTGCATGTTTTTA-3'